The following is an entry in ClinVar:

ClinVar aggregate classification (germline): Benign (1 of 4 stars; one submission).

Allele frequency attached by ClinVar (database versions not stated): ESP Exome Variant Server 0.15147; TOPMed 0.15432; 1000 Genomes Project 30x 0.16162; 1000 Genomes Project 0.16374; gnomAD 0.16479 and 0.16800; gnomAD exomes 0.19174 and 0.19486; ExAC 0.19209.
gnomAD v4.1: 306,077 of 1,614,032 alleles (19%); highest among the groups gnomAD compares: East Asian, 24%; 30,224 homozygotes.

Submission:

GeneDx
Classification: Benign. Last evaluated: 2018-06-20. Review status: criteria provided, single submitter. Criteria: GeneDx Variant Classification (06012015). Collection method: clinical testing. Allele origin: germline. Affected: yes.
Comment: This variant is considered likely benign or benign based on one or more of the following criteria: it is a conservative change, it occurs at a poorly conserved position in the protein, it is predicted to be benign by multiple in silico algorithms, and/or has population frequency not consistent with disease.

NM_024577.4(SH3TC2):c.2872+37A>G

Gene: SH3TC2 (SH3 domain and tetratricopeptide repeats 2; minus strand). Cytogenetic location: 5q32.
Variant type: single nucleotide variant.
Coding change: c.2872+37A>G on transcript NM_024577.4 (MANE Select); 37 bases into the intron after coding-DNA position 2872, A replaced by G.
Molecular consequence: intron variant.
Genome position (GRCh38, 1-based): chr5:149,026,823, T>C on the plus strand (A>G on the coding strand, the complement: SH3TC2 is on the minus strand). VCF-style: chr5-149026823-T-C. GRCh37 (hg19) VCF-style: chr5-148406386-T-C.
Identifiers: ClinVar variation 673597 (VCV000673597.1), dbSNP rs17722209, ClinGen allele CA3498913.